The following is an entry in ClinVar:

NM_000051.4(ATM):c.3210A>T (p.Val1070=)

Gene: ATM (ATM serine/threonine kinase; plus strand). Cytogenetic location: 11q22.3.
Variant type: single nucleotide variant.
Coding change: c.3210A>T on transcript NM_000051.4 (MANE Select); coding-DNA position 3210, A replaced by T.
Protein change: p.Val1070=; no amino-acid change (valine 1070 retained).
Molecular consequence: synonymous variant.
Genome position (GRCh38, 1-based): chr11:108,272,778, A>T. VCF-style: chr11-108272778-A-T. GRCh37 (hg19) VCF-style: chr11-108143505-A-T.
Other names: c.3210A>T, p.Val1070= (NM_001351834.2); c.3210A>T (NM_000051.3).
Identifiers: ClinVar variation 1664824 (VCV001664824.10), dbSNP rs1443665212, ClinGen allele CA476745110.
Genomic context (GRCh38, chr11:108,272,778, plus strand): 5'-GTAGGCTGATCCTTATTCAAAATGGGCCATTCTTAATGTAATGGGAAAAGACTTTCCTGT[A>T]AATGAAGTATTTACACAATTTCTTGCTGACAATCATCACCAAGTTCGCATGTTGGCTGCA-3'
Protein context (NP_000042.3, residues 1060-1080): ILNVMGKDFP[Val1070=]NEVFTQFLAD

ClinVar aggregate classification (germline): Benign/Likely benign. Review status: criteria provided, multiple submitters, no conflicts (2 of 4 stars). 3 submissions from 3 submitters: Benign (1); Likely benign (2). Last evaluated 2025-05-10.

Conditions:
Hereditary cancer-predisposing syndrome. Also called: Hereditary neoplastic syndrome; Hereditary Cancer Syndrome; Tumor predisposition; Neoplastic Syndromes, Hereditary. Identifiers: Orphanet 140162, MedGen C0027672, MeSH D009386, MONDO:0015356.
Ataxia-telangiectasia syndrome (AT). Also called: Cerebello-oculocutaneous telangiectasia; Immunodeficiency with ataxia telangiectasia; LOUIS-BAR SYNDROME; Ataxia-telangiectasia, complementation group D; AT, COMPLEMENTATION GROUP C; Ataxia-telangiectasia, complementation group E. Identifiers: Orphanet 100, MedGen C0004135, MONDO:0008840, OMIM 208900.
Familial cancer of breast. Also called: hereditary breast carcinoma; BREAST CANCER, FAMILIAL; Hereditary breast cancer. Identifiers: Orphanet 227535, MedGen C0346153, MONDO:0016419, OMIM 114480. Disease mechanism: loss of function.

Submissions (3):

Ambry Genetics
Classification: Likely benign for Hereditary cancer-predisposing syndrome. Last evaluated: 2025-05-10. Review status: criteria provided, single submitter. Criteria: Ambry Variant Classification Scheme 2023. Collection method: clinical testing. Allele origin: germline.

Myriad Genetics, Inc.
Classification: Benign for Familial cancer of breast. Last evaluated: 2024-05-13. Review status: criteria provided, single submitter. Criteria: Myriad Autosomal Dominant, Autosomal Recessive and X-Linked Classification Criteria (2023). Collection method: clinical testing. Allele origin: unknown.
Comment: This variant is considered benign. This variant is a silent/synonymous amino acid change and it is not expected to impact splicing.

Labcorp Genetics (formerly Invitae), Labcorp
Classification: Likely benign for Ataxia-telangiectasia syndrome. Last evaluated: 2021-06-05. Review status: criteria provided, single submitter. Criteria: Invitae Variant Classification Sherloc (09022015). Collection method: clinical testing. Allele origin: germline.